The following is an entry in ClinVar:

NM_000090.4(COL3A1):c.2381G>C (p.Arg794Pro)

Genes: COL3A1 (collagen type III alpha 1 chain; plus strand), LOC126806446 (P300/CBP strongly-dependent group 1 enhancer GRCh37_chr2:189866210-189867409; plus strand). Cytogenetic location: 2q32.2.
Variant type: single nucleotide variant.
Coding change: c.2381G>C on transcript NM_000090.4 (MANE Select); coding-DNA position 2381, G replaced by C.
Protein change: p.Arg794Pro; replaces arginine 794 with proline.
Molecular consequence: missense variant.
Genome position (GRCh38, 1-based): chr2:189,001,579, G>C. VCF-style: chr2-189001579-G-C. GRCh37 (hg19) VCF-style: chr2-189866305-G-C.
Other names: short protein forms R794P.
Identifiers: ClinVar variation 1709828 (VCV001709828.3), dbSNP rs1332613006, ClinGen allele CA349842541.

ClinVar aggregate classification (germline): Uncertain significance. Review status: criteria provided, multiple submitters, no conflicts (2 of 4 stars). 2 submissions from 2 submitters: Uncertain significance (2). Last evaluated 2025-11-10.

Conditions:
Ehlers-Danlos syndrome, type 4 (EDSVASC). Also called: Ehlers-Danlos syndrome vascular type; Ehlers Danlos syndrome, ecchymotic type; Ehlers Danlos syndrome, arterial type; Ehlers Danlos syndrome, Sack-Barabas type; Ehlers-Danlos Syndrome Type IV. Identifiers: Orphanet 286, MedGen C0268338, MONDO:0017314, OMIM 130050.

Submissions (2):

Women's Health and Genetics/Laboratory Corporation of America, LabCorp
Classification: Uncertain significance. Last evaluated: 2025-11-10. Review status: criteria provided, single submitter. Criteria: LabCorp Variant Classification Summary - May 2015. Collection method: clinical testing. Allele origin: germline.
Comment: Variant summary: COL3A1 c.2381G>C (p.Arg794Pro) results in a non-conservative amino acid change in the encoded protein sequence. Algorithms developed to predict the effect of missense changes on protein structure and function are either unavailable or do not agree on the potential impact of this missense change. The variant was absent in 251464 control chromosomes. The available data on variant occurrences in the general population are insufficient to allow any conclusion about variant significance. To our knowledge, no occurrence of c.2381G>C in individuals affected with COL3A1-related conditions and no experimental evidence demonstrating its impact on protein function have been reported. ClinVar contains an entry for this variant (Variation ID: 1709828). Based on the evidence outlined above, the variant was classified as uncertain significance.

MGZ Medical Genetics Center
Classification: Uncertain significance for Ehlers-Danlos syndrome, type 4. Last evaluated: 2021-08-04. Review status: criteria provided, single submitter. Criteria: ACMG Guidelines, 2015. Collection method: clinical testing. Allele origin: germline. Affected: yes. Observed: 1 variant allele.
Comment: ACMG criteria applied: PM1, PM2_SUP, PP3